The following is an entry in ClinVar:

ClinVar aggregate classification (germline): Uncertain significance (1 of 4 stars; one submission).

Conditions:
Combined immunodeficiency due to ORAI1 deficiency. Also called: IMMUNODEFICIENCY 9. Identifiers: Orphanet 169090, Orphanet 317428, MedGen C2748568, MONDO:0013007, OMIM 612782.
Myopathy, tubular aggregate, 2 (TAM2). Identifiers: MedGen C4014557, MONDO:0014383, OMIM 615883.

Submission:

Labcorp Genetics (formerly Invitae), Labcorp
Classification: Uncertain significance for Myopathy, tubular aggregate, 2; Combined immunodeficiency due to ORAI1 deficiency. Last evaluated: 2021-04-27. Review status: criteria provided, single submitter. Criteria: Invitae Variant Classification Sherloc (09022015). Collection method: clinical testing. Allele origin: germline.
Comment: In summary, the available evidence is currently insufficient to determine the role of this variant in disease. Therefore, it has been classified as a Variant of Uncertain Significance. Experimental studies and prediction algorithms are not available or were not evaluated, and the functional significance of this variant is currently unknown. This variant has not been reported in the literature in individuals with ORAI1-related conditions. This variant is not present in population databases (ExAC no frequency). This sequence change replaces threonine with serine at codon 212 of the ORAI1 protein (p.Thr212Ser). The threonine residue is weakly conserved and there is a small physicochemical difference between threonine and serine.

NC_000012.12:g.121641371A>T

Gene: ORAI1 (ORAI calcium release-activated calcium modulator 1; plus strand). Cytogenetic location: 12q24.31.
Variant type: single nucleotide variant.
Genome position: GRCh38 VCF-style: chr12-121641371-A-T. GRCh37 (hg19) VCF-style: chr12-122079277-A-T.
Other names: c.634A>T, p.Thr212Ser (NM_032790.4); short protein forms T212S.
Identifiers: ClinVar variation 1486625 (VCV001486625.6), dbSNP rs2136853101, ClinGen allele CA386983998.
Genomic context (GRCh38, chr12:121,641,371, plus strand): 5'-GTGCTGCTCTGCTGGGTCAAGTTCTTGCCCCTCAAGAAGCAGCCAGGCCAGCCAAGGCCC[A>T]CCAGCAAGCCCCCCGCCAGTGGCGCAGCAGCCAACGTCAGCACCAGCGGCATCACCCCGG-3'